The following is an entry in ClinVar:

NM_024537.4(CARS2):c.476C>A (p.Pro159His)

Gene: CARS2 (cysteinyl-tRNA synthetase 2, mitochondrial; minus strand). Cytogenetic location: 13q34.
Variant type: single nucleotide variant.
Coding change: c.476C>A on transcript NM_024537.4 (MANE Select); coding-DNA position 476, C replaced by A.
Protein change: p.Pro159His; replaces proline 159 with histidine.
Molecular consequence: missense variant. On other transcripts: 5 prime UTR variant (1), non-coding transcript variant (2).
Genome position (GRCh38, 1-based): chr13:110,687,816, G>T on the plus strand (C>A on the coding strand, the complement: CARS2 is on the minus strand). VCF-style: chr13-110687816-G-T. GRCh37 (hg19) VCF-style: chr13-111340163-G-T.
Other names: c.-524C>A (NM_001352252.2); c.476C>A, p.Pro159His (NM_001352253.3); short protein forms P159H.
Identifiers: ClinVar variation 2229341 (VCV002229341.2), dbSNP rs780516056, ClinGen allele CA388738499.

ClinVar aggregate classification (germline): Uncertain significance (1 of 4 stars; one submission).

Conditions:
Inborn genetic diseases. Identifiers: MedGen C0950123, MeSH D030342.

Allele frequency attached by ClinVar (database versions not stated): TOPMed below 0.00001.

Submission:

Ambry Genetics
Classification: Uncertain significance for Inborn genetic diseases. Last evaluated: 2021-03-02. Review status: criteria provided, single submitter. Criteria: Ambry Variant Classification Scheme 2023. Collection method: clinical testing. Allele origin: germline.
Comment: The c.476C>A (p.P159H) alteration is located in exon 5 (coding exon 5) of the CARS2 gene. This alteration results from a C to A substitution at nucleotide position 476, causing the proline (P) at amino acid position 159 to be replaced by a histidine (H). The p.P159H alteration is predicted to be tolerated by in silico analysis. Based on insufficient or conflicting evidence, the clinical significance of this alteration remains unclear.